The following is an entry in ClinVar:

NM_001844.5(COL2A1):c.2301+1G>T

Gene: COL2A1 (collagen type II alpha 1 chain; minus strand). Cytogenetic location: 12q13.11.
Variant type: single nucleotide variant.
Coding change: c.2301+1G>T on transcript NM_001844.5 (MANE Select); the canonical splice donor site of the intron after coding-DNA position 2301, G replaced by T.
Molecular consequence: splice donor variant.
Genome position (GRCh38, 1-based): chr12:47,982,501, C>A on the plus strand (G>T on the coding strand, the complement: COL2A1 is on the minus strand). VCF-style: chr12-47982501-C-A. GRCh37 (hg19) VCF-style: chr12-48376284-C-A.
Other names: c.2094+1G>T (NM_033150.3).
Identifiers: ClinVar variation 2768761 (VCV002768761.3), dbSNP rs2540133883, ClinGen allele CA384545864.

ClinVar aggregate classification (germline): Pathogenic (1 of 4 stars; one submission).

Submission:

Labcorp Genetics (formerly Invitae), Labcorp
Classification: Pathogenic. Last evaluated: 2023-10-15. Review status: criteria provided, single submitter. Criteria: Invitae Variant Classification Sherloc (09022015). Collection method: clinical testing. Allele origin: germline.
Comment: This sequence change affects a donor splice site in intron 34 of the COL2A1 gene. It is expected to disrupt RNA splicing. Variants that disrupt the donor or acceptor splice site typically lead to a loss of protein function (PMID: 16199547), and loss-of-function variants in COL2A1 are known to be pathogenic (PMID: 20179744). This variant is not present in population databases (gnomAD no frequency). Disruption of this splice site has been observed in individuals with clinical features of autosomal dominant COL2A1-related conditions (PMID: 10797431; Invitae). Algorithms developed to predict the effect of sequence changes on RNA splicing suggest that this variant may disrupt the consensus splice site. For these reasons, this variant has been classified as Pathogenic.

Literature cited by the submitters: PubMed 16199547; PubMed 20179744; PubMed 10797431.